The following is an entry in ClinVar:

ClinVar aggregate classification (germline): Uncertain significance. Review status: criteria provided, multiple submitters, no conflicts (2 of 4 stars). 3 submissions from 3 submitters: Uncertain significance (3). Last evaluated 2026-01-22.

Conditions:
DeSanto-Shinawi syndrome due to WAC point mutation (DESSH). Also called: Facial dysmorphism-developmental delay-behavioral abnormalities syndrome due to WAC point mutation; DEVELOPMENTAL DELAY, BEHAVIORAL ABNORMALITIES, FACIAL DYSMORPHISM, AND OCULAR ABNORMALITIES; WAC-Related Intellectual Disability. Identifiers: Orphanet 284169, Orphanet 466950, MedGen C5681129, MONDO:0014741, OMIM 616708.

Submissions (3):

Women's Health and Genetics/Laboratory Corporation of America, LabCorp
Classification: Uncertain significance. Last evaluated: 2026-01-22. Review status: criteria provided, single submitter. Criteria: LabCorp Variant Classification Summary - May 2015. Collection method: clinical testing. Allele origin: germline.
Comment: Variant summary: WAC c.1237G>A (p.Ala413Thr) results in a non-conservative amino acid change in the encoded protein sequence. Algorithms developed to predict the effect of missense changes on protein structure and function are either unavailable or do not agree on the potential impact of this missense change. The variant was absent in 250574 control chromosomes. The available data on variant occurrences in the general population are insufficient to allow any conclusion about variant significance. To our knowledge, no occurrence of c.1237G>A in individuals affected with WAC-related conditions and no experimental evidence demonstrating its impact on protein function have been reported. ClinVar contains an entry for this variant (Variation ID: 2430571). Based on the evidence outlined above, the variant was classified as uncertain significance.

GeneDx
Classification: Uncertain significance. Last evaluated: 2022-08-16. Review status: criteria provided, single submitter. Criteria: GeneDx Variant Classification Process June 2021. Collection method: clinical testing. Allele origin: germline. Affected: yes.
Comment: Not observed at significant frequency in large population cohorts (gnomAD); In silico analysis supports that this missense variant does not alter protein structure/function; Has not been previously published as pathogenic or benign to our knowledge

Department of Pathology and Laboratory Medicine, Sinai Health System
Classification: Uncertain significance for DeSanto-Shinawi syndrome due to WAC point mutation. Last evaluated: 2021-07-30. Review status: criteria provided, single submitter. Criteria: ACMG Guidelines, 2015. Collection method: research. Allele origin: germline.

NM_016628.5(WAC):c.1237G>A (p.Ala413Thr)

Gene: WAC (WW domain containing adaptor with coiled-coil; plus strand). Cytogenetic location: 10p12.1.
Variant type: single nucleotide variant.
Coding change: c.1237G>A on transcript NM_016628.5 (MANE Select); coding-DNA position 1237, G replaced by A.
Protein change: p.Ala413Thr; replaces alanine 413 with threonine.
Molecular consequence: missense variant.
Genome position (GRCh38, 1-based): chr10:28,610,770, G>A. VCF-style: chr10-28610770-G-A. GRCh37 (hg19) VCF-style: chr10-28899699-G-A.
Other names: c.1102G>A, p.Ala368Thr (NM_100264.3); c.928G>A, p.Ala310Thr (NM_100486.4); short protein forms A310T, A368T, A413T.
Identifiers: ClinVar variation 2430571 (VCV002430571.3), dbSNP rs1285135094, ClinGen allele CA376403390.